The following is an entry in ClinVar:

NM_017654.4(SAMD9):c.2063A>G (p.Lys688Arg)

Gene: SAMD9 (sterile alpha motif domain containing 9; minus strand). Cytogenetic location: 7q21.2.
Variant type: single nucleotide variant.
Coding change: c.2063A>G on transcript NM_017654.4 (MANE Select); coding-DNA position 2063, A replaced by G.
Protein change: p.Lys688Arg; replaces lysine 688 with arginine.
Molecular consequence: missense variant.
Genome position (GRCh38, 1-based): chr7:93,104,035, T>C on the plus strand (A>G on the coding strand, the complement: SAMD9 is on the minus strand). VCF-style: chr7-93104035-T-C. GRCh37 (hg19) VCF-style: chr7-92733348-T-C.
Other names: c.2063A>G, p.Lys688Arg (NM_001193307.2); c.2063A>G (NM_017654.3); short protein forms K688R.
Identifiers: ClinVar variation 1350276 (VCV001350276.11), dbSNP rs1188656521, ClinGen allele CA368193446.

ClinVar aggregate classification (germline): Uncertain significance. Review status: criteria provided, multiple submitters, no conflicts (2 of 4 stars). 3 submissions from 3 submitters: Uncertain significance (3). Last evaluated 2026-01-08.

Conditions:
Inborn genetic diseases. Identifiers: MedGen C0950123, MeSH D030342.

Allele frequency attached by ClinVar (database versions not stated): gnomAD exomes below 0.00001; gnomAD 0.00001 and 0.00002; TOPMed 0.00001.
gnomAD v4.1: 5 of 1,613,862 alleles (0.00031%); highest among the groups gnomAD compares: Admixed American, 0.0017%; no homozygotes.

Submissions (3):

Labcorp Genetics (formerly Invitae), Labcorp
Classification: Uncertain significance. Last evaluated: 2026-01-08. Review status: criteria provided, single submitter. Criteria: Invitae Variant Classification Sherloc (09022015). Collection method: clinical testing. Allele origin: germline.
Comment: This sequence change replaces lysine, which is basic and polar, with arginine, which is basic and polar, at codon 688 of the SAMD9 protein (p.Lys688Arg). This variant is present in population databases (no rsID available, gnomAD 0.004%). This variant has not been reported in the literature in individuals affected with SAMD9-related conditions. ClinVar contains an entry for this variant (Variation ID: 1350276). Invitae Evidence Modeling of protein sequence and biophysical properties (such as structural, functional, and spatial information, amino acid conservation, physicochemical variation, residue mobility, and thermodynamic stability) has been performed for this missense variant. However, the output from this modeling did not meet the statistical confidence thresholds required to predict the impact of this variant on SAMD9 protein function. In summary, the available evidence is currently insufficient to determine the role of this variant in disease. Therefore, it has been classified as a Variant of Uncertain Significance.

Ambry Genetics
Classification: Uncertain significance for Inborn genetic diseases. Last evaluated: 2025-09-21. Review status: criteria provided, single submitter. Criteria: Ambry Variant Classification Scheme 2023. Collection method: clinical testing. Allele origin: germline.
Comment: The p.K688R variant (also known as c.2063A>G), located in coding exon 1 of the SAMD9 gene, results from an A to G substitution at nucleotide position 2063. The lysine at codon 688 is replaced by arginine, an amino acid with highly similar properties. This amino acid position is conserved. In addition, this alteration is predicted to be tolerated by in silico analysis. Based on the available evidence, the clinical significance of this variant remains unclear.

GeneDx
Classification: Uncertain significance. Last evaluated: 2023-12-20. Review status: criteria provided, single submitter. Criteria: GeneDx Variant Classification Process June 2021. Collection method: clinical testing. Allele origin: germline. Affected: yes.
Comment: Not observed at significant frequency in large population cohorts (gnomAD); In silico analysis supports that this missense variant does not alter protein structure/function; Has not been previously published as pathogenic or benign to our knowledge